The following is an entry in ClinVar:

ClinVar aggregate classification (germline): Pathogenic (1 of 4 stars; one submission).

Conditions:
Early-infantile DEE. Also called: Ohtahara syndrome; Early infantile epileptic encephalopathy with suppression bursts; Early infantile epileptic encephalopathy. Identifiers: Orphanet 1934, MedGen C0393706, MONDO:0800491.

Submission:

Labcorp Genetics (formerly Invitae), Labcorp
Classification: Pathogenic for Early-infantile DEE. Last evaluated: 2023-12-27. Review status: criteria provided, single submitter. Criteria: Invitae Variant Classification Sherloc (09022015). Collection method: clinical testing. Allele origin: germline.
Comment: This sequence change replaces aspartic acid, which is acidic and polar, with glutamic acid, which is acidic and polar, at codon 81 of the SCN1A protein (p.Asp81Glu). This variant is not present in population databases (gnomAD no frequency). This missense change has been observed in individual(s) with SCN1A-related conditions (PMID: 26169758, 29745119). ClinVar contains an entry for this variant (Variation ID: 1068636). Advanced modeling of protein sequence and biophysical properties (such as structural, functional, and spatial information, amino acid conservation, physicochemical variation, residue mobility, and thermodynamic stability) performed at Invitae indicates that this missense variant is expected to disrupt SCN1A protein function with a positive predictive value of 80%. This variant disrupts the p.Asp81 amino acid residue in SCN1A. Other variant(s) that disrupt this residue have been determined to be pathogenic (Invitae). This suggests that this residue is clinically significant, and that variants that disrupt this residue are likely to be disease-causing. For these reasons, this variant has been classified as Pathogenic.

Literature cited by the submitters: PubMed 26169758; PubMed 29745119.

NM_001165963.4(SCN1A):c.243C>A (p.Asp81Glu)

Gene: SCN1A (sodium voltage-gated channel alpha subunit 1; minus strand). Cytogenetic location: 2q24.3.
Variant type: single nucleotide variant.
Coding change: c.243C>A on transcript NM_001165963.4 (MANE Select); coding-DNA position 243, C replaced by A.
Protein change: p.Asp81Glu; replaces aspartic acid 81 with glutamic acid.
Molecular consequence: missense variant. On other transcripts: 5 prime UTR variant (1), non-coding transcript variant (1).
Genome position (GRCh38, 1-based): chr2:166,073,379, G>T on the plus strand (C>A on the coding strand, the complement: SCN1A is on the minus strand). VCF-style: chr2-166073379-G-T. GRCh37 (hg19) VCF-style: chr2-166929889-G-T.
Other names: c.243C>A, p.Asp81Glu (NM_001165964.3, NM_001202435.3, NM_001353948.2 and 10 more transcripts); c.-2183C>A (NM_001353961.2); short protein forms D81E.
Identifiers: ClinVar variation 1068636 (VCV001068636.10), dbSNP rs796053016, ClinGen allele CA349242681.